The following is an entry in ClinVar:

NM_001244008.2(KIF1A):c.3940A>G (p.Ile1314Val)

Gene: KIF1A (kinesin family member 1A; minus strand). Cytogenetic location: 2q37.3.
Variant type: single nucleotide variant.
Coding change: c.3940A>G on transcript NM_001244008.2 (MANE Select); coding-DNA position 3940, A replaced by G.
Protein change: p.Ile1314Val; replaces isoleucine 1314 with valine.
Molecular consequence: missense variant.
Genome position (GRCh38, 1-based): chr2:240,737,130, T>C on the plus strand (A>G on the coding strand, the complement: KIF1A is on the minus strand). VCF-style: chr2-240737130-T-C. GRCh37 (hg19) VCF-style: chr2-241676547-T-C.
Other names: c.3664A>G, p.Ile1222Val (NM_001320705.2, NM_001330289.2, NM_001379638.1); c.3739A>G, p.Ile1247Val (NM_001330290.2, NM_001379634.1, NM_001379635.1 and 1 more transcripts); c.4015A>G, p.Ile1339Val (NM_001379631.1); c.3889A>G, p.Ile1297Val (NM_001379632.1); c.3913A>G, p.Ile1305Val (NM_001379633.1, NM_001379642.1, NM_001379645.1); c.3751A>G, p.Ile1251Val (NM_001379636.1); c.3712A>G, p.Ile1238Val (NM_001379637.1, NM_001379648.1); c.3637A>G, p.Ile1213Val (NM_001379639.1, NM_001379641.1, NM_001379649.1 and 5 more transcripts); and 1 more; short protein forms I1305V, I1238V, I1247V, I1314V, I1222V, I1297V, I1212V, I1213V.
Identifiers: ClinVar variation 2935453 (VCV002935453.3), dbSNP rs372516481, ClinGen allele CA351312840.
Genomic context (GRCh38, chr2:240,737,130, plus strand): 5'-CTTGGGCTGGGTGGATGTATCCGGAAGAGAGGATGTTGAGAGACAAGATGTTGGGGTCGA[T>C]CAGGGACTCGTCGGTCTCTGGAGTGTTTCGGATGCGGCCTGCAGAAAAGGCAACGGGCCA-3'
Protein context (NP_001230937.1, residues 1304-1324): RNTPETDESL[Ile1314Val]DPNILSLNIL

ClinVar aggregate classification (germline): Uncertain significance (1 of 4 stars; one submission).

Conditions:
Neuropathy, hereditary sensory, type 2C. Also called: KIF1A-Related HSAN2 (HSAN2C); Hereditary sensory and autonomic neuropathy type IIC. Identifiers: Orphanet 970, MedGen C3280168, MONDO:0013634, OMIM 614213.
Hereditary spastic paraplegia 30. Identifiers: Orphanet 101010, MedGen C5235139, MONDO:0012476.
Intellectual disability, autosomal dominant 9 (NESCAVS). Also called: NESCAV SYNDROME; KIF1A-Related Neurodevelopmental Disorder. Identifiers: Orphanet 662367, MedGen C5393830, MONDO:0013656, OMIM 614255.

Allele frequency attached by ClinVar (database versions not stated): gnomAD exomes below 0.00001.
gnomAD v4.1: 1 of 1,613,668 alleles (0.000062%); highest among the groups gnomAD compares: Non-Finnish European, 0.000085%; no homozygotes.

Submission:

Labcorp Genetics (formerly Invitae), Labcorp
Classification: Uncertain significance for Hereditary spastic paraplegia 30; Neuropathy, hereditary sensory, type 2C; Intellectual disability, autosomal dominant 9. Last evaluated: 2025-09-08. Review status: criteria provided, single submitter. Criteria: Invitae Variant Classification Sherloc (09022015). Collection method: clinical testing. Allele origin: germline.
Comment: This sequence change replaces isoleucine, which is neutral and non-polar, with valine, which is neutral and non-polar, at codon 1213 of the KIF1A protein (p.Ile1213Val). This variant is not present in population databases (gnomAD no frequency). This variant has not been reported in the literature in individuals affected with KIF1A-related conditions. ClinVar contains an entry for this variant (Variation ID: 2935453). Invitae Evidence Modeling of protein sequence and biophysical properties (such as structural, functional, and spatial information, amino acid conservation, physicochemical variation, residue mobility, and thermodynamic stability) indicates that this missense variant is not expected to disrupt KIF1A protein function with a negative predictive value of 95%. In summary, the available evidence is currently insufficient to determine the role of this variant in disease. Therefore, it has been classified as a Variant of Uncertain Significance.